The following is an entry in ClinVar:

ClinVar aggregate classification (germline): Uncertain significance (1 of 4 stars; one submission).

Submission:

Labcorp Genetics (formerly Invitae), Labcorp
Classification: Uncertain significance. Last evaluated: 2022-05-10. Review status: criteria provided, single submitter. Criteria: Invitae Variant Classification Sherloc (09022015). Collection method: clinical testing. Allele origin: germline.
Comment: This sequence change affects codon 718 of the HPS6 mRNA. It is a 'silent' change, meaning that it does not change the encoded amino acid sequence of the HPS6 protein. This variant is not present in population databases (gnomAD no frequency). This variant has not been reported in the literature in individuals affected with HPS6-related conditions. In summary, the available evidence is currently insufficient to determine the role of this variant in disease. Therefore, it has been classified as a Variant of Uncertain Significance.

NM_024747.6(HPS6):c.2154C>G (p.Pro718=)

Gene: HPS6 (HPS6 biogenesis of lysosomal organelles complex 2 subunit 3; plus strand). Cytogenetic location: 10q24.32.
Variant type: single nucleotide variant.
Coding change: c.2154C>G on transcript NM_024747.6 (MANE Select); coding-DNA position 2154, C replaced by G.
Protein change: p.Pro718=; no amino-acid change (proline 718 retained).
Molecular consequence: synonymous variant.
Genome position (GRCh38, 1-based): chr10:102,067,628, C>G. VCF-style: chr10-102067628-C-G. GRCh37 (hg19) VCF-style: chr10-103827385-C-G.
Identifiers: ClinVar variation 1992792 (VCV001992792.2), dbSNP rs2136335283, ClinGen allele CA471011693.
Genomic context (GRCh38, chr10:102,067,628, plus strand): 5'-ACTGGCTCCAGCTGAGCTCCTGCTTCTACTGAGGACATACCTCCCAGATGAGGTGGGGCC[C>G]CCAACCCCATTCCCTGAGCCTGGAGCAGAGCCCCCTCTCACTGTGGGCTTGCTCAAAGCC-3'
Protein context (NP_079023.2, residues 708-728): LRTYLPDEVG[Pro718=]PTPFPEPGAE